The following is an entry in ClinVar:

NM_000059.4(BRCA2):c.421G>A (p.Glu141Lys)

Gene: BRCA2 (BRCA2 DNA repair associated; plus strand). Cytogenetic location: 13q13.1.
Variant type: single nucleotide variant.
Coding change: c.421G>A on transcript NM_000059.4 (MANE Select); coding-DNA position 421, G replaced by A.
Protein change: p.Glu141Lys; replaces glutamic acid 141 with lysine.
Molecular consequence: missense variant.
Genome position (GRCh38, 1-based): chr13:32,325,180, G>A. VCF-style: chr13-32325180-G-A. GRCh37 (hg19) VCF-style: chr13-32899317-G-A.
Other names: c.421G>A, p.Glu141Lys (NM_001406719.1, NM_001406720.1, NM_001406721.1); c.52G>A, p.Glu18Lys (NM_001406722.1); short protein forms E141K, E18K.
Identifiers: ClinVar variation 1990921 (VCV001990921.5), dbSNP rs967234688, ClinGen allele CA247487323.

ClinVar aggregate classification (germline): Uncertain significance. Review status: criteria provided, multiple submitters, no conflicts (2 of 4 stars). 2 submissions from 2 submitters: Uncertain significance (2). Last evaluated 2026-04-27.

Conditions:
Hereditary breast ovarian cancer syndrome. Also called: Hereditary breast and ovarian cancer syndrome; Breast and ovarian cancer; Hereditary breast and/or ovarian cancer syndrome; Hereditary breast and ovarian cancer syndrome (HBOC); Hereditary breast and ovarian cancer; BRCA1- and BRCA2-Associated Hereditary Breast and Ovarian Cancer. Identifiers: Orphanet 145, MedGen C0677776, MeSH D061325, MONDO:0003582. Disease mechanism: loss of function.

Allele frequency attached by ClinVar (database versions not stated): gnomAD exomes below 0.00001.
gnomAD v4.1: 2 of 1,559,060 alleles (0.00013%); highest among the groups gnomAD compares: African/African-American, 0.0027%; no homozygotes.

Submissions (2):

Women's Health and Genetics/Laboratory Corporation of America, LabCorp
Classification: Uncertain significance. Last evaluated: 2026-04-27. Review status: criteria provided, single submitter. Criteria: LabCorp Variant Classification Summary - May 2015. Collection method: clinical testing. Allele origin: germline.

Labcorp Genetics (formerly Invitae), Labcorp
Classification: Uncertain significance for Hereditary breast ovarian cancer syndrome. Last evaluated: 2025-11-04. Review status: criteria provided, single submitter. Criteria: Invitae Variant Classification Sherloc (09022015). Collection method: clinical testing. Allele origin: germline.
Comment: This sequence change replaces glutamic acid, which is acidic and polar, with lysine, which is basic and polar, at codon 141 of the BRCA2 protein (p.Glu141Lys). This variant is not present in population databases (gnomAD no frequency). This variant has not been reported in the literature in individuals affected with BRCA2-related conditions. ClinVar contains an entry for this variant (Variation ID: 1990921). Invitae Evidence Modeling of protein sequence and biophysical properties (such as structural, functional, and spatial information, amino acid conservation, physicochemical variation, residue mobility, and thermodynamic stability) indicates that this missense variant is not expected to disrupt BRCA2 protein function with a negative predictive value of 95%. In summary, the available evidence is currently insufficient to determine the role of this variant in disease. Therefore, it has been classified as a Variant of Uncertain Significance.